The following is an entry in ClinVar:

NM_024312.5(GNPTAB):c.2497G>T (p.Glu833Ter)

Gene: GNPTAB (N-acetylglucosamine-1-phosphate transferase subunits alpha and beta; minus strand). Cytogenetic location: 12q23.2.
Variant type: single nucleotide variant.
Coding change: c.2497G>T on transcript NM_024312.5 (MANE Select); coding-DNA position 2497, G replaced by T.
Protein change: p.Glu833Ter; replaces glutamic acid 833 with a stop codon.
Molecular consequence: nonsense.
Genome position (GRCh38, 1-based): chr12:101,764,420, C>A on the plus strand (G>T on the coding strand, the complement: GNPTAB is on the minus strand). VCF-style: chr12-101764420-C-A. GRCh37 (hg19) VCF-style: chr12-102158198-C-A.
Other names: short protein forms E833*.
Identifiers: ClinVar variation 2947290 (VCV002947290.3), dbSNP rs2547956774, ClinGen allele CA386298111.

ClinVar aggregate classification (germline): Pathogenic (1 of 4 stars; one submission).

Conditions:
Mucolipidosis type II. Also called: ML II ALPHA/BETA; Mucolipidosis 2; ML 2; Inclusion cell disease; Leroy Disease; N-acetylglucosamine 1phosphotransferase deficiency. Identifiers: Orphanet 576, MedGen C2673377, MONDO:0009650, OMIM 252500.
Pseudo-Hurler polydystrophy. Also called: ML III; ML III ALPHA/BETA; Type III Mucolipidosis; ML IIIA; Mucolipidosis III Alpha/Beta; MUCOLIPIDOSIS IIIA. Identifiers: Orphanet 423461, Orphanet 577, MedGen C0033788, MONDO:0018931, OMIM 252600.

Submission:

Labcorp Genetics (formerly Invitae), Labcorp
Classification: Pathogenic for Pseudo-Hurler polydystrophy; Mucolipidosis type II. Last evaluated: 2023-04-29. Review status: criteria provided, single submitter. Criteria: Invitae Variant Classification Sherloc (09022015). Collection method: clinical testing. Allele origin: germline.
Comment: For these reasons, this variant has been classified as Pathogenic. This variant has not been reported in the literature in individuals affected with GNPTAB-related conditions. This variant is not present in population databases (gnomAD no frequency). This sequence change creates a premature translational stop signal (p.Glu833*) in the GNPTAB gene. It is expected to result in an absent or disrupted protein product. Loss-of-function variants in GNPTAB are known to be pathogenic (PMID: 19617216, 25107912).

Literature cited by the submitters: PubMed 19617216; PubMed 25107912.